The following is an entry in ClinVar:

ClinVar aggregate classification (germline): Uncertain significance. Review status: criteria provided, multiple submitters, no conflicts (2 of 4 stars). 2 submissions from 2 submitters: Uncertain significance (2). Last evaluated 2021-04-12.

Conditions:
Hearing impairment. Also called: Impaired Hearing. Identifiers: MedGen C1384666, MONDO:0005365, HP:0000365.

Submissions (2):

Department of Otolaryngology – Head & Neck Surgery, Cochlear Implant Center
Classification: Uncertain significance for Hearing impairment. Last evaluated: 2021-04-12. Review status: criteria provided, single submitter. Criteria: ClinGen HL ACMG Specifications v1. Collection method: clinical testing. Allele origin: germline. Affected: yes.
Comment: PM2_Moderate, BP4_Supporting

Laboratory for Molecular Medicine, Mass General Brigham Personalized Medicine
Classification: Uncertain significance. Last evaluated: 2018-04-18. Review status: criteria provided, single submitter. Criteria: LMM Criteria. Collection method: clinical testing. Allele origin: germline. Observed: 1 variant allele.
Comment: The p.Met1480Ile variant in OTOF has not been previously reported in individuals with hearing loss, and was absent from large population studies. Computational prediction tools and conservation analyses do not provide strong support for or against an impact to the protein. In summary, the clinical significance of the p .Met1480Ile variant is uncertain. ACMG/AMP Criteria applied: PM2; PP3.

NM_194248.3(OTOF):c.4440G>A (p.Met1480Ile)

Gene: OTOF (otoferlin; minus strand). Cytogenetic location: 2p23.3.
Variant type: single nucleotide variant.
Coding change: c.4440G>A on transcript NM_194248.3 (MANE Select); coding-DNA position 4440, G replaced by A.
Protein change: p.Met1480Ile; replaces methionine 1480 with isoleucine.
Molecular consequence: missense variant.
Genome position (GRCh38, 1-based): chr2:26,466,774, C>T on the plus strand (G>A on the coding strand, the complement: OTOF is on the minus strand). VCF-style: chr2-26466774-C-T. GRCh37 (hg19) VCF-style: chr2-26689642-C-T.
Other names: c.4440G>A, p.Met1480Ile (NM_001287489.2); c.2139G>A, p.Met713Ile (NM_004802.4, NM_194323.3); c.2370G>A, p.Met790Ile (NM_194322.3); short protein forms M1480I, M790I, M713I.
Identifiers: ClinVar variation 666892 (VCV000666892.7), dbSNP rs727503354, ClinGen allele CA346136383.